The following is an entry in ClinVar:

ClinVar aggregate classification (germline): Pathogenic (1 of 4 stars; one submission).

Conditions:
Familial thoracic aortic aneurysm and aortic dissection (TAAD). Also called: Thoracic aortic aneurysms and dissections. Identifiers: Orphanet 91387, MedGen C4707243, MONDO:0019625.
Marfan syndrome (MFS). Also called: Marfan syndrome type 1; Marfan syndrome, classic; Marfan's syndrome; FBN1-Related Marfan Syndrome; MARFAN SYNDROME, TYPE I. Identifiers: Orphanet 284963, Orphanet 558, MedGen C0024796, MONDO:0007947, OMIM 154700.

Submission:

Labcorp Genetics (formerly Invitae), Labcorp
Classification: Pathogenic for Marfan syndrome; Familial thoracic aortic aneurysm and aortic dissection. Last evaluated: 2025-05-13. Review status: criteria provided, single submitter. Criteria: Invitae Variant Classification Sherloc (09022015). Collection method: clinical testing. Allele origin: germline.
Comment: This sequence change replaces cysteine, which is neutral and slightly polar, with arginine, which is basic and polar, at codon 639 of the FBN1 protein (p.Cys639Arg). This variant is not present in population databases (gnomAD no frequency). This missense change has been observed in individual(s) with Marfan syndrome (internal data). It has also been observed to segregate with disease in related individuals. ClinVar contains an entry for this variant (Variation ID: 527206). Invitae Evidence Modeling of protein sequence and biophysical properties (such as structural, functional, and spatial information, amino acid conservation, physicochemical variation, residue mobility, and thermodynamic stability) indicates that this missense variant is expected to disrupt FBN1 protein function with a positive predictive value of 95%. This variant affects a cysteine residue in the EGF-like, TGFBP or hybrid motif domains of FBN1. Cysteine residues are believed to be involved in intramolecular disulfide bridges and have been shown to be important for FBN1 protein structure (PMID: 16905551, 19349279). In addition, missense substitutions affecting cysteine residues within these domains are significantly overrepresented among patients with Marfan syndrome (PMID: 16571647, 17701892). For these reasons, this variant has been classified as Pathogenic.

Literature cited by the submitters: PubMed 16905551; PubMed 19349279; PubMed 16571647; PubMed 17701892.

NM_000138.5(FBN1):c.1915T>C (p.Cys639Arg)

Gene: FBN1 (fibrillin 1; minus strand). Cytogenetic location: 15q21.1.
Variant type: single nucleotide variant.
Coding change: c.1915T>C on transcript NM_000138.5 (MANE Select); coding-DNA position 1915, T replaced by C.
Protein change: p.Cys639Arg; replaces cysteine 639 with arginine.
Molecular consequence: missense variant.
Genome position (GRCh38, 1-based): chr15:48,505,070, A>G on the plus strand (T>C on the coding strand, the complement: FBN1 is on the minus strand). VCF-style: chr15-48505070-A-G. GRCh37 (hg19) VCF-style: chr15-48797267-A-G.
Other names: short protein forms C639R.
Identifiers: ClinVar variation 527206 (VCV000527206.8), dbSNP rs1060501078, ClinGen allele CA392339045.